The following is an entry in ClinVar:

NM_001276270.2(MBD4):c.1033A>G (p.Asn345Asp)

Gene: MBD4 (methyl-CpG binding domain 4, DNA glycosylase; minus strand). Cytogenetic location: 3q21.3.
Variant type: single nucleotide variant.
Coding change: c.1033A>G on transcript NM_001276270.2 (MANE Select); coding-DNA position 1033, A replaced by G.
Protein change: p.Asn345Asp; replaces asparagine 345 with aspartic acid.
Molecular consequence: missense variant. On other transcripts: intron variant (1).
Genome position (GRCh38, 1-based): chr3:129,436,611, T>C on the plus strand (A>G on the coding strand, the complement: MBD4 is on the minus strand). VCF-style: chr3-129436611-T-C. GRCh37 (hg19) VCF-style: chr3-129155454-T-C.
Other names: c.1033A>G, p.Asn345Asp (NM_001276271.2, NM_001276272.2, NM_003925.3); c.247+1197A>G (NM_001276273.2); short protein forms N345D.
Identifiers: ClinVar variation 5024030 (VCV005024030.1).

ClinVar aggregate classification (germline): Uncertain significance (1 of 4 stars; one submission).

Conditions:
Inborn genetic diseases. Identifiers: MedGen C0950123, MeSH D030342.

Submission:

Ambry Genetics
Classification: Uncertain significance for Inborn genetic diseases. Last evaluated: 2026-08-08. Review status: criteria provided, single submitter. Criteria: Ambry Variant Classification Scheme 2023. Collection method: clinical testing. Allele origin: germline.
Comment: The p.N345D variant (also known as c.1033A>G), located in coding exon 3 of the MBD4 gene, results from an A to G substitution at nucleotide position 1033. The asparagine at codon 345 is replaced by aspartic acid, an amino acid with highly similar properties. This amino acid position is conserved. In addition, this alteration is predicted to be tolerated by in silico analysis. Based on the available evidence, the clinical significance of this variant remains unclear.